The following is an entry in ClinVar:

NM_006846.4(SPINK5):c.1135C>T (p.Leu379Phe)

Gene: SPINK5 (serine peptidase inhibitor Kazal type 5; plus strand). Cytogenetic location: 5q32.
Variant type: single nucleotide variant.
Coding change: c.1135C>T on transcript NM_006846.4 (MANE Select); coding-DNA position 1135, C replaced by T.
Protein change: p.Leu379Phe; replaces leucine 379 with phenylalanine.
Molecular consequence: missense variant.
Genome position (GRCh38, 1-based): chr5:148,100,496, C>T. VCF-style: chr5-148100496-C-T. GRCh37 (hg19) VCF-style: chr5-147480059-C-T.
Other names: c.1135C>T (NM_006846.3); c.1135C>T, p.Leu379Phe (NM_001127698.2, NM_001127699.2); short protein forms L379F.
Identifiers: ClinVar variation 1521334 (VCV001521334.4), dbSNP rs371578291, ClinGen allele CA3495489.

ClinVar aggregate classification (germline): Uncertain significance. Review status: criteria provided, multiple submitters, no conflicts (2 of 4 stars). 2 submissions from 2 submitters: Uncertain significance (2). Last evaluated 2024-08-07.

Conditions:
Netherton syndrome (NETH). Also called: NETHERTON DISEASE; ERYTHRODERMA, ICHTHYOSIFORM, WITH HYPOTRICHOSIS AND HYPER-IgE; COMEL-NETHERTON SYNDROME. Identifiers: Orphanet 634, MedGen C5574950, MONDO:0009735, OMIM 256500.
Inborn genetic diseases. Identifiers: MedGen C0950123, MeSH D030342.

Allele frequency attached by ClinVar (database versions not stated): ExAC 0.00002; gnomAD 0.00002; gnomAD exomes 0.00002; ESP Exome Variant Server 0.00008.
gnomAD v4.1: 34 of 1,612,908 alleles (0.0021%); highest among the groups gnomAD compares: Middle Eastern, 0.016%; no homozygotes.

Submissions (2):

Ambry Genetics
Classification: Uncertain significance for Inborn genetic diseases. Last evaluated: 2024-08-07. Review status: criteria provided, single submitter. Criteria: Ambry Variant Classification Scheme 2023. Collection method: clinical testing. Allele origin: germline.

Labcorp Genetics (formerly Invitae), Labcorp
Classification: Uncertain significance for Ichthyosis linearis circumflexa. Last evaluated: 2021-11-03. Review status: criteria provided, single submitter. Criteria: Invitae Variant Classification Sherloc (09022015). Collection method: clinical testing. Allele origin: germline.
Comment: This sequence change replaces leucine, which is neutral and non-polar, with phenylalanine, which is neutral and non-polar, at codon 379 of the SPINK5 protein (p.Leu379Phe). This variant is present in population databases (rs371578291, gnomAD 0.004%). This variant has not been reported in the literature in individuals affected with SPINK5-related conditions. Algorithms developed to predict the effect of missense changes on protein structure and function are either unavailable or do not agree on the potential impact of this missense change (SIFT: "Deleterious"; PolyPhen-2: "Probably Damaging"; Align-GVGD: "Class C0"). In summary, the available evidence is currently insufficient to determine the role of this variant in disease. Therefore, it has been classified as a Variant of Uncertain Significance.